The following is an entry in ClinVar:

NM_001848.3(COL6A1):c.117C>A (p.Phe39Leu)

Gene: COL6A1 (collagen type VI alpha 1 chain; plus strand). Cytogenetic location: 21q22.3.
Variant type: single nucleotide variant.
Coding change: c.117C>A on transcript NM_001848.3 (MANE Select); coding-DNA position 117, C replaced by A.
Protein change: p.Phe39Leu; replaces phenylalanine 39 with leucine.
Molecular consequence: missense variant.
Genome position (GRCh38, 1-based): chr21:45,982,653, C>A. VCF-style: chr21-45982653-C-A. GRCh37 (hg19) VCF-style: chr21-47402567-C-A.
Other names: short protein forms F39L.
Identifiers: ClinVar variation 3665583 (VCV003665583.3).
Genomic context (GRCh38, chr21:45,982,653, plus strand): 5'-GGGCGAGAGCTTGAAGGCCCCTCTCCTCCATCTTCGGCCAGACTGCCCCGTGGACCTGTT[C>A]TTTGTGCTGGACACCTCTGAGAGCGTGGCCCTGAGGCTGAAGCCCTACGGGGCCCTCGTG-3'
Protein context (NP_001839.2, residues 29-49): VAFQDCPVDL[Phe39Leu]FVLDTSESVA

ClinVar aggregate classification (germline): Uncertain significance. Review status: criteria provided, multiple submitters, no conflicts (2 of 4 stars). 2 submissions from 2 submitters: Uncertain significance (2). Last evaluated 2025-04-05.

Conditions:
Inborn genetic diseases. Identifiers: MedGen C0950123, MeSH D030342.
Bethlem myopathy 1A. Also called: MYOPATHY, BENIGN CONGENITAL, WITH CONTRACTURES; Bethlem myopathy 1; Bethlem Muscular Dystrophy. Identifiers: Orphanet 610, MedGen CN029274, MONDO:0024530, OMIM 158810.

gnomAD v4.1: 16 of 1,612,776 alleles (0.00099%); highest among the groups gnomAD compares: Non-Finnish European, 0.0014%; no homozygotes.

Submissions (2):

Ambry Genetics
Classification: Uncertain significance for Inborn genetic diseases. Last evaluated: 2025-04-05. Review status: criteria provided, single submitter. Criteria: Ambry Variant Classification Scheme 2023. Collection method: clinical testing. Allele origin: germline.

Labcorp Genetics (formerly Invitae), Labcorp
Classification: Uncertain significance for Bethlem myopathy 1A. Last evaluated: 2024-05-01. Review status: criteria provided, single submitter. Criteria: Invitae Variant Classification Sherloc (09022015). Collection method: clinical testing. Allele origin: germline.
Comment: This sequence change replaces phenylalanine, which is neutral and non-polar, with leucine, which is neutral and non-polar, at codon 39 of the COL6A1 protein (p.Phe39Leu). This variant is not present in population databases (gnomAD no frequency). This variant has not been reported in the literature in individuals affected with COL6A1-related conditions. Advanced modeling of protein sequence and biophysical properties (such as structural, functional, and spatial information, amino acid conservation, physicochemical variation, residue mobility, and thermodynamic stability) performed at Invitae indicates that this missense variant is not expected to disrupt COL6A1 protein function with a negative predictive value of 95%. In summary, the available evidence is currently insufficient to determine the role of this variant in disease. Therefore, it has been classified as a Variant of Uncertain Significance.